The following is an entry in ClinVar:

NM_178170.3(NEK8):c.1299+3G>T

Gene: NEK8 (NIMA related kinase 8; plus strand). Cytogenetic location: 17q11.2.
Variant type: single nucleotide variant.
Coding change: c.1299+3G>T on transcript NM_178170.3 (MANE Select); 3 bases into the intron after coding-DNA position 1299, G replaced by T.
Molecular consequence: intron variant.
Genome position (GRCh38, 1-based): chr17:28,738,750, G>T. VCF-style: chr17-28738750-G-T. GRCh37 (hg19) VCF-style: chr17-27065768-G-T.
Identifiers: ClinVar variation 539139 (VCV000539139.13), dbSNP rs201629139, ClinGen allele CA8467375.

ClinVar aggregate classification (germline): Likely benign. Review status: criteria provided, multiple submitters, no conflicts (2 of 4 stars). 3 submissions from 3 submitters: Likely benign (2). 1 of the submissions does not count toward it. Last evaluated 2026-01-31.

Conditions:
NEK8-related disorder. Also called: NEK8-related condition.
Nephronophthisis 9 (NPHP9). Identifiers: Orphanet 655, MedGen C3151188, MONDO:0013444, OMIM 613824.
Renal-hepatic-pancreatic dysplasia 2 (RHPD2). Identifiers: MedGen C3809434, MONDO:0014174, OMIM 615415.

Allele frequency attached by ClinVar (database versions not stated): gnomAD exomes 0.00008 and 0.00021; ExAC 0.00021; 1000 Genomes Project 0.00080; gnomAD 0.00083 and 0.00087; TOPMed 0.00089; 1000 Genomes Project 30x 0.00109; ESP Exome Variant Server 0.00138.
gnomAD v4.1: 246 of 1,611,718 alleles (0.015%); highest among the groups gnomAD compares: African/African-American, 0.3%; 3 homozygotes.

Submissions (3):

Labcorp Genetics (formerly Invitae), Labcorp
Classification: Likely benign for Nephronophthisis 9. Last evaluated: 2026-01-31. Review status: criteria provided, single submitter. Criteria: Invitae Variant Classification Sherloc (09022015). Collection method: clinical testing. Allele origin: germline.

Fulgent Genetics
Classification: Likely benign for Nephronophthisis 9; Renal-hepatic-pancreatic dysplasia 2. Last evaluated: 2022-05-05. Review status: criteria provided, single submitter. Criteria: ACMG Guidelines, 2015. Collection method: clinical testing. Allele origin: unknown.

PreventionGenetics, part of Exact Sciences
Classification: Likely benign for NEK8-related condition. Last evaluated: 2019-11-25. Review status: no assertion criteria provided. Collection method: clinical testing. Allele origin: germline. Not counted in ClinVar's aggregate classification.
Comment: This variant is classified as likely benign based on ACMG/AMP sequence variant interpretation guidelines (Richards et al. 2015 PMID: 25741868, with internal and published modifications).